The following is an entry in ClinVar:

ClinVar aggregate classification (germline): Uncertain significance (1 of 4 stars; one submission).

gnomAD v4.1: 11 of 1,613,316 alleles (0.00068%); highest among the groups gnomAD compares: African/African-American, 0.0013%; no homozygotes.

Submission:

GeneDx
Classification: Uncertain significance. Last evaluated: 2023-05-23. Review status: criteria provided, single submitter. Criteria: GeneDx Variant Classification Process June 2021. Collection method: clinical testing. Allele origin: germline. Affected: yes.
Comment: Not observed at significant frequency in large population cohorts (gnomAD); In silico analysis supports that this missense variant does not alter protein structure/function; Has not been previously published as pathogenic or benign to our knowledge

NM_014363.6(SACS):c.2704G>A (p.Ala902Thr)

Gene: SACS (sacsin molecular chaperone; minus strand). Cytogenetic location: 13q12.12.
Variant type: single nucleotide variant.
Coding change: c.2704G>A on transcript NM_014363.6 (MANE Select); coding-DNA position 2704, G replaced by A.
Protein change: p.Ala902Thr; replaces alanine 902 with threonine.
Molecular consequence: missense variant.
Genome position (GRCh38, 1-based): chr13:23,341,172, C>T on the plus strand (G>A on the coding strand, the complement: SACS is on the minus strand). VCF-style: chr13-23341172-C-T. GRCh37 (hg19) VCF-style: chr13-23915311-C-T.
Other names: c.2263G>A, p.Ala755Thr (NM_001278055.2); short protein forms A755T, A902T.
Identifiers: ClinVar variation 3343649 (VCV003343649.1).